The following is an entry in ClinVar:

NM_014727.3(KMT2B):c.2457G>A (p.Pro819=)

Gene: KMT2B (lysine methyltransferase 2B; plus strand). Cytogenetic location: 19q13.12.
Variant type: single nucleotide variant.
Coding change: c.2457G>A on transcript NM_014727.3 (MANE Select); coding-DNA position 2457, G replaced by A.
Protein change: p.Pro819=; no amino-acid change (proline 819 retained).
Molecular consequence: synonymous variant.
Genome position (GRCh38, 1-based): chr19:35,721,804, G>A. VCF-style: chr19-35721804-G-A. GRCh37 (hg19) VCF-style: chr19-36212706-G-A.
Identifiers: ClinVar variation 975732 (VCV000975732.8), dbSNP rs763878702, ClinGen allele CA9384440.

ClinVar aggregate classification (germline): Benign. Review status: criteria provided, single submitter (1 of 4 stars). 3 submissions from 3 submitters: Benign (1). 2 of the submissions do not count toward it. Last evaluated 2025-09-20.

Conditions:
Intellectual disability. Also called: intellectual disabilities; Intellectual developmental disorder; Intellectual functioning disability. Identifiers: MedGen C3714756, MeSH D008607, MONDO:0001071, HP:0001249.
KMT2B-related disorder. Also called: KMT2B-related disorders; KMT2B-related condition. Identifiers: MedGen CN381338.

Allele frequency attached by ClinVar (database versions not stated): ExAC 0.00007; gnomAD 0.00009 and 0.00011; gnomAD exomes 0.00006.

Submissions (3):

Labcorp Genetics (formerly Invitae), Labcorp
Classification: Benign. Last evaluated: 2025-09-20. Review status: criteria provided, single submitter. Criteria: Invitae Variant Classification Sherloc (09022015). Collection method: clinical testing. Allele origin: germline.

PreventionGenetics, part of Exact Sciences
Classification: Likely benign for KMT2B-related condition. Last evaluated: 2024-01-27. Review status: no assertion criteria provided. Collection method: clinical testing. Allele origin: germline. Not counted in ClinVar's aggregate classification.
Comment: This variant is classified as likely benign based on ACMG/AMP sequence variant interpretation guidelines (Richards et al. 2015 PMID: 25741868, with internal and published modifications).

Centre de Biologie Pathologie Génétique, Centre Hospitalier Universitaire de Lille
Classification: Likely benign for Intellectual disability. Last evaluated: 2019-01-01. Review status: no assertion criteria provided. Collection method: clinical testing. Allele origin: inherited. Affected: yes. Not counted in ClinVar's aggregate classification.